The following is an entry in ClinVar:

ClinVar aggregate classification (germline): Uncertain significance (1 of 4 stars; one submission).

Conditions:
Severe combined immunodeficiency due to DNA-PKcs deficiency. Also called: IMMUNODEFICIENCY 26 WITH NEUROLOGIC ABNORMALITIES; Immunodeficiency 26 with or without neurologic abnormalities. Identifiers: Orphanet 317425, MedGen C4014833, MONDO:0014423, OMIM 615966.

Allele frequency attached by ClinVar (database versions not stated): TOPMed 0.00001; ExAC 0.00002; gnomAD 0.00002 and 0.00003; gnomAD exomes 0.00002; ESP Exome Variant Server 0.00008.
gnomAD v4.1: 28 of 1,613,852 alleles (0.0017%); highest among the groups gnomAD compares: Middle Eastern, 0.033%; no homozygotes.

Submission:

Labcorp Genetics (formerly Invitae), Labcorp
Classification: Uncertain significance for Severe combined immunodeficiency due to DNA-PKcs deficiency. Last evaluated: 2021-12-27. Review status: criteria provided, single submitter. Criteria: Invitae Variant Classification Sherloc (09022015). Collection method: clinical testing. Allele origin: germline.
Comment: This sequence change replaces methionine, which is neutral and non-polar, with lysine, which is basic and polar, at codon 2565 of the PRKDC protein (p.Met2565Lys). This variant is present in population databases (rs377580880, gnomAD 0.005%). This variant has not been reported in the literature in individuals affected with PRKDC-related conditions. ClinVar contains an entry for this variant (Variation ID: 939358). In summary, the available evidence is currently insufficient to determine the role of this variant in disease. Therefore, it has been classified as a Variant of Uncertain Significance.

NM_006904.7(PRKDC):c.7694T>A (p.Met2565Lys)

Gene: PRKDC (protein kinase, DNA-activated, catalytic subunit; minus strand). Cytogenetic location: 8q11.21.
Variant type: single nucleotide variant.
Coding change: c.7694T>A on transcript NM_006904.7 (MANE Select); coding-DNA position 7694, T replaced by A.
Protein change: p.Met2565Lys; replaces methionine 2565 with lysine.
Molecular consequence: missense variant.
Genome position (GRCh38, 1-based): chr8:47,837,279, A>T on the plus strand (T>A on the coding strand, the complement: PRKDC is on the minus strand). VCF-style: chr8-47837279-A-T. GRCh37 (hg19) VCF-style: chr8-48749840-A-T.
Other names: c.7694T>A, p.Met2565Lys (NM_001081640.2); short protein forms M2565K.
Identifiers: ClinVar variation 939358 (VCV000939358.5), dbSNP rs377580880, ClinGen allele CA4740050.